The following is an entry in ClinVar:

NM_001364564.1(SALL2):c.1087C>T (p.Pro363Ser)

Gene: SALL2 (spalt like transcription factor 2; minus strand). Cytogenetic location: 14q11.2.
Variant type: single nucleotide variant.
Coding change: c.1087C>T on transcript NM_001364564.1 (MANE Select); coding-DNA position 1087, C replaced by T.
Protein change: p.Pro363Ser; replaces proline 363 with serine.
Molecular consequence: missense variant.
Genome position (GRCh38, 1-based): chr14:21,524,635, G>A on the plus strand (C>T on the coding strand, the complement: SALL2 is on the minus strand). VCF-style: chr14-21524635-G-A. GRCh37 (hg19) VCF-style: chr14-21992769-G-A.
Other names: c.688C>T, p.Pro230Ser (NM_001291446.2); c.682C>T, p.Pro228Ser (NM_001291447.2); c.1093C>T, p.Pro365Ser (NM_005407.3); short protein forms P363S, P365S, P228S, P230S.
Identifiers: ClinVar variation 2969262 (VCV002969262.3), dbSNP rs763689725, ClinGen allele CA388912276.

ClinVar aggregate classification (germline): Uncertain significance (1 of 4 stars; one submission).

Allele frequency attached by ClinVar (database versions not stated): gnomAD 0.00001.
gnomAD v4.1: 12 of 1,614,044 alleles (0.00074%); highest among the groups gnomAD compares: Middle Eastern, 0.016%; no homozygotes.

Submission:

Labcorp Genetics (formerly Invitae), Labcorp
Classification: Uncertain significance. Last evaluated: 2023-11-09. Review status: criteria provided, single submitter. Criteria: Invitae Variant Classification Sherloc (09022015). Collection method: clinical testing. Allele origin: germline.
Comment: This sequence change replaces proline, which is neutral and non-polar, with serine, which is neutral and polar, at codon 365 of the SALL2 protein (p.Pro365Ser). This variant is present in population databases (no rsID available, gnomAD 0.007%). This variant has not been reported in the literature in individuals affected with SALL2-related conditions. Algorithms developed to predict the effect of missense changes on protein structure and function output the following: SIFT: "Not Available"; PolyPhen-2: "Benign"; Align-GVGD: "Not Available". The serine amino acid residue is found in multiple mammalian species, which suggests that this missense change does not adversely affect protein function. In summary, the available evidence is currently insufficient to determine the role of this variant in disease. Therefore, it has been classified as a Variant of Uncertain Significance.